The following is an entry in ClinVar:

NM_000152.5(GAA):c.-260G>C

Genes: GAA (alpha glucosidase; plus strand), LOC130061897 (ATAC-STARR-seq lymphoblastoid silent region 9099; plus strand). Cytogenetic location: 17q25.3.
Variant type: single nucleotide variant.
Coding change: c.-260G>C on transcript NM_000152.5 (MANE Select); 260 bases upstream of the start codon, G replaced by C.
Molecular consequence: 5 prime UTR variant. On other transcripts: intron variant (2).
Genome position (GRCh38, 1-based): chr17:80,101,663, G>C. VCF-style: chr17-80101663-G-C. GRCh37 (hg19) VCF-style: chr17-78075462-G-C.
Other names: c.-260G>C (LRG_673t1); c.-113+38G>C (NM_001079803.3); c.-33+38G>C (NM_001079804.3).
Identifiers: ClinVar variation 325769 (VCV000325769.9), dbSNP rs2304849, ClinGen allele CA10650361.
Genomic context (GRCh38, chr17:80,101,663, plus strand): 5'-GGCCAGGGCGCGCGTGCGCGGAGGTGAGCCGGGCCGGGGCTGCGGGGCTTCCCTGAGCGC[G>C]GGCCGGGTCGGTGGGGCGGTCGGCTGCCCGCGCGGCCTCTCAGTTGGGAAAGCTGAGGTT-3'

ClinVar aggregate classification (germline): Benign/Likely benign. Review status: criteria provided, multiple submitters, no conflicts (2 of 4 stars). 3 submissions from 3 submitters: Benign (2); Likely benign (1). Last evaluated 2026-07-01.

Conditions:
Glycogen storage disease, type II (IOPD). Also called: CARDIOMEGALIA GLYCOGENICA DIFFUSA; GLYCOGENOSIS, GENERALIZED, CARDIAC FORM; GSD II; POMPE DISEASE, INFANTILE-ONSET; GLYCOGEN STORAGE DISEASE II, INFANTILE-ONSET; ACID ALPHA-GLUCOSIDASE DEFICIENCY, INFANTILE-ONSET. Identifiers: Orphanet 365, MedGen C0017921, MONDO:0009290, OMIM 232300.

Allele frequency attached by ClinVar (database versions not stated): gnomAD exomes 0.10638; 1000 Genomes Project 30x 0.11368; 1000 Genomes Project 0.11801; TOPMed 0.16310; gnomAD 0.16838 and 0.16933.
gnomAD v4.1: 25,639 of 151,788 alleles (17%); highest among the groups gnomAD compares: Non-Finnish European, 24%; 2,727 homozygotes.

Submissions (3):

Genomenon, Inc
Classification: Benign for Glycogen storage disease, type II. Last evaluated: 2026-07-01. Review status: criteria provided, single submitter. Criteria: Genomenon Sequence Variant Interpretation Standards - Updated. Collection method: curation. Allele origin: germline. Affected: no.
Comment: GAA c.-260G>C is a variant located in the 5′ untranslated region (5′ UTR). This variant is present at high allele frequency in population databases. We classify GAA c.-260G>C as a benign variant.

GeneDx
Classification: Benign. Last evaluated: 2018-06-29. Review status: criteria provided, single submitter. Criteria: GeneDx Variant Classification Process June 2021. Collection method: clinical testing. Allele origin: germline. Affected: yes.

Breakthrough Genomics
Classification: Likely benign. Review status: criteria provided, single submitter. Criteria: ACMG Guidelines, 2015. Collection method: not provided. Allele origin: germline. Inheritance: Autosomal recessive inheritance. Affected: yes.